The following is an entry in ClinVar:

ClinVar aggregate classification (germline): Uncertain significance. Review status: criteria provided, multiple submitters, no conflicts (2 of 4 stars). 2 submissions from 2 submitters: Uncertain significance (2). Last evaluated 2024-04-14.

Conditions:
Hereditary antithrombin deficiency (AT3D). Also called: Thrombophilia due to antithrombin III deficiency; Antithrombin deficiency; Reduced antithrombin III activity; Antithrombin III deficiency. Identifiers: Orphanet 82, MedGen C0272375, MONDO:0013144, OMIM 613118, HP:0001976.

Allele frequency attached by ClinVar (database versions not stated): gnomAD exomes below 0.00001.
gnomAD v4.1: 1 of 1,614,008 alleles (0.000062%); highest among the groups gnomAD compares: Non-Finnish European, 0.000085%; no homozygotes.

Submissions (2):

Labcorp Genetics (formerly Invitae), Labcorp
Classification: Uncertain significance for Hereditary antithrombin deficiency. Last evaluated: 2024-04-14. Review status: criteria provided, single submitter. Criteria: Invitae Variant Classification Sherloc (09022015). Collection method: clinical testing. Allele origin: germline.
Comment: This sequence change replaces aspartic acid, which is acidic and polar, with glycine, which is neutral and non-polar, at codon 374 of the SERPINC1 protein (p.Asp374Gly). This variant is not present in population databases (gnomAD no frequency). This missense change has been observed in individual(s) with clinical features of antithrombin III deficiency (PMID: 22398878; Invitae). ClinVar contains an entry for this variant (Variation ID: 2664808). Advanced modeling of protein sequence and biophysical properties (such as structural, functional, and spatial information, amino acid conservation, physicochemical variation, residue mobility, and thermodynamic stability) performed at Invitae indicates that this missense variant is not expected to disrupt SERPINC1 protein function with a negative predictive value of 80%. This variant disrupts the p.Asp374 amino acid residue in SERPINC1. Other variant(s) that disrupt this residue have been observed in individuals with SERPINC1-related conditions (PMID: 33401890), which suggests that this may be a clinically significant amino acid residue. In summary, the available evidence is currently insufficient to determine the role of this variant in disease. Therefore, it has been classified as a Variant of Uncertain Significance.

Genetics and Molecular Pathology, SA Pathology
Classification: Uncertain significance for Hereditary antithrombin deficiency. Last evaluated: 2023-07-19. Review status: criteria provided, single submitter. Criteria: ACMG Guidelines, 2015. Collection method: clinical testing. Allele origin: germline. Affected: yes.
Comment: The SERPINC1 c.1121A>G variant is classified as a VUS (PS4_Supporting, PM2, PP3) The SERPINC1 c.1121A>G variant is a single nucleotide change in exon 5/7 of the SERPINC1 gene, which is predicted to change the amino acid aspartic acid at position 374 in the protein to glycine. The variant has been reported in a patient with Antithrombin deficiency (PMID:22398878) (PS4_Supporting). This variant is absent from population databases (PM2). An additional patient with antithrombin deficiency has also been reported at this residue (p.Asp374Val)(Aslan et al 2021, PMID: 33401890). Computational predictions support a deleterious effect on the gene or gene product (PP3). The variant has been reported in the HGMD database: CM125929. It has not been reported in dbSNP or ClinVar.

Literature cited by the submitters: PubMed 22398878 (cited by Labcorp Genetics (formerly Invitae), Labcorp and Genetics and Molecular Pathology, SA Pathology); PubMed 33401890 (cited by Labcorp Genetics (formerly Invitae), Labcorp and Genetics and Molecular Pathology, SA Pathology).

NM_000488.4(SERPINC1):c.1121A>G (p.Asp374Gly)

Gene: SERPINC1 (serpin family C member 1; minus strand). Cytogenetic location: 1q25.1.
Variant type: single nucleotide variant.
Coding change: c.1121A>G on transcript NM_000488.4 (MANE Select); coding-DNA position 1121, A replaced by G.
Protein change: p.Asp374Gly; replaces aspartic acid 374 with glycine.
Molecular consequence: missense variant.
Genome position (GRCh38, 1-based): chr1:173,909,584, T>C on the plus strand (A>G on the coding strand, the complement: SERPINC1 is on the minus strand). VCF-style: chr1-173909584-T-C. GRCh37 (hg19) VCF-style: chr1-173878722-T-C.
Other names: c.977A>G, p.Asp326Gly (NM_001365052.2); c.1244A>G, p.Asp415Gly (NM_001386302.1); c.1202A>G, p.Asp401Gly (NM_001386303.1); c.1100A>G, p.Asp367Gly (NM_001386304.1); c.1064A>G, p.Asp355Gly (NM_001386305.1); c.905A>G, p.Asp302Gly (NM_001386306.1); short protein forms D302G, D326G, D355G, D367G, D374G, D401G, D415G.
Identifiers: ClinVar variation 2664808 (VCV002664808.3), dbSNP rs2526569200, ClinGen allele CA343773529.
Genomic context (GRCh38, chr1:173,909,584, plus strand): 5'-AAGGGAGGAAACTCCTTCCTAGACAAACCTGGGAGTTTGGACTTTTCAGGGCTGAACAGA[T>C]CGACAAGGCCCATGTCTTGCAGCTGCTCCTTCAAACTGAAGCCGTCCTCAATGCGGAAGC-3'
Protein context (NP_000479.1, residues 364-384): KEQLQDMGLV[Asp374Gly]LFSPEKSKLP